The following is an entry in ClinVar:

ClinVar aggregate classification (germline): Uncertain significance (1 of 4 stars; one submission).

Conditions:
Hereditary cancer-predisposing syndrome. Also called: Hereditary Cancer Syndrome; Hereditary neoplastic syndrome; Neoplastic Syndromes, Hereditary; Tumor predisposition. Identifiers: Orphanet 140162, MedGen C0027672, MeSH D009386, MONDO:0015356.

Submission:

Ambry Genetics
Classification: Uncertain significance for Hereditary cancer-predisposing syndrome. Last evaluated: 2021-03-17. Review status: criteria provided, single submitter. Criteria: Ambry Variant Classification Scheme 2023. Collection method: clinical testing. Allele origin: germline.
Comment: The p.S1426R variant (also known as c.4276A>C), located in coding exon 15 of the APC gene, results from an A to C substitution at nucleotide position 4276. The serine at codon 1426 is replaced by arginine, an amino acid with dissimilar properties. This amino acid position is highly conserved in available vertebrate species. In addition, in silico predictors for this gene do not accurately predict pathogenicity. Since supporting evidence is limited at this time, the clinical significance of this alteration remains unclear.

NM_000038.6(APC):c.4276A>C (p.Ser1426Arg)

Gene: APC (APC regulator of Wnt signaling pathway; plus strand). Cytogenetic location: 5q22.2.
Variant type: single nucleotide variant.
Coding change: c.4276A>C on transcript NM_000038.6 (MANE Select); coding-DNA position 4276, A replaced by C.
Protein change: p.Ser1426Arg; replaces serine 1426 with arginine.
Molecular consequence: missense variant.
Genome position (GRCh38, 1-based): chr5:112,839,870, A>C. VCF-style: chr5-112839870-A-C. GRCh37 (hg19) VCF-style: chr5-112175567-A-C.
Other names: c.4222A>C, p.Ser1408Arg (NM_001127511.3); c.4276A>C, p.Ser1426Arg (NM_001354895.2, NM_001127510.3, NM_001407450.1); c.4330A>C, p.Ser1444Arg (NM_001354896.2, NM_001407447.1, NM_001407448.1 and 1 more transcripts); c.4306A>C, p.Ser1436Arg (NM_001354897.2); c.4201A>C, p.Ser1401Arg (NM_001354898.2); c.4192A>C, p.Ser1398Arg (NM_001354899.2); c.4153A>C, p.Ser1385Arg (NM_001354900.2); c.4099A>C, p.Ser1367Arg (NM_001354901.2, NM_001407453.1); and 11 more; short protein forms S1143R, S1297R, S1385R, S1401R, S1426R, S1436R, S1042R, S1325R.
Identifiers: ClinVar variation 1739291 (VCV001739291.2), dbSNP rs2149910587, ClinGen allele CA16030700.
Genomic context (GRCh38, chr5:112,839,870, plus strand): 5'-CAGAGTGAACCATGCAGTGGAATGGTAAGTGGCATTATAAGCCCCAGTGATCTTCCAGAT[A>C]GCCCTGGACAAACCATGCCACCAAGCAGAAGTAAAACACCTCCACCACCTCCTCAAACAG-3'
Protein context (NP_000029.2, residues 1416-1436): GIISPSDLPD[Ser1426Arg]PGQTMPPSRS